The following is an entry in ClinVar:

ClinVar aggregate classification (germline): Uncertain significance. Review status: criteria provided, multiple submitters, no conflicts (2 of 4 stars). 2 submissions from 2 submitters: Uncertain significance (2). Last evaluated 2025-11-11.

Conditions:
Inborn genetic diseases. Identifiers: MedGen C0950123, MeSH D030342.

gnomAD v4.1: 37 of 1,597,534 alleles (0.0023%); highest among the groups gnomAD compares: Middle Eastern, 0.017%; no homozygotes.

Submissions (2):

Ambry Genetics
Classification: Uncertain significance for Inborn genetic diseases. Last evaluated: 2025-11-11. Review status: criteria provided, single submitter. Criteria: Ambry Variant Classification Scheme 2023. Collection method: clinical testing. Allele origin: germline.

Labcorp Genetics (formerly Invitae), Labcorp
Classification: Uncertain significance. Last evaluated: 2022-09-01. Review status: criteria provided, single submitter. Criteria: Invitae Variant Classification Sherloc (09022015). Collection method: clinical testing. Allele origin: germline.
Comment: This sequence change replaces arginine, which is basic and polar, with cysteine, which is neutral and slightly polar, at codon 1638 of the DOCK6 protein (p.Arg1638Cys). This variant is present in population databases (rs370048275, gnomAD 0.009%). This variant has not been reported in the literature in individuals affected with DOCK6-related conditions. Algorithms developed to predict the effect of missense changes on protein structure and function are either unavailable or do not agree on the potential impact of this missense change (SIFT: "Deleterious"; PolyPhen-2: "Possibly Damaging"; Align-GVGD: "Class C0"). In summary, the available evidence is currently insufficient to determine the role of this variant in disease. Therefore, it has been classified as a Variant of Uncertain Significance.

NM_020812.4(DOCK6):c.4912C>T (p.Arg1638Cys)

Genes: DOCK6 (dedicator of cytokinesis 6; minus strand), DOCK6-AS1 (DOCK6 antisense RNA 1; plus strand). Cytogenetic location: 19p13.2.
Variant type: single nucleotide variant.
Coding change: c.4912C>T on transcript NM_020812.4 (MANE Select); coding-DNA position 4912, C replaced by T.
Protein change: p.Arg1638Cys; replaces arginine 1638 with cysteine.
Molecular consequence: missense variant.
Genome position (GRCh38, 1-based): chr19:11,208,943, G>A on the plus strand (C>T on the coding strand, the complement: DOCK6 is on the minus strand). VCF-style: chr19-11208943-G-A. GRCh37 (hg19) VCF-style: chr19-11319619-G-A.
Other names: c.4912C>T (NM_020812.2); c.5017C>T, p.Arg1673Cys (NM_001367830.1); short protein forms R1673C, R1638C.
Identifiers: ClinVar variation 2180634 (VCV002180634.4), dbSNP rs370048275, ClinGen allele CA9206692.